The following is an entry in ClinVar:

NM_005215.4(DCC):c.1625C>T (p.Thr542Ile)

Gene: DCC (DCC netrin 1 receptor; plus strand). Cytogenetic location: 18q21.2.
Variant type: single nucleotide variant.
Coding change: c.1625C>T on transcript NM_005215.4 (MANE Select); coding-DNA position 1625, C replaced by T.
Protein change: p.Thr542Ile; replaces threonine 542 with isoleucine.
Molecular consequence: missense variant.
Genome position (GRCh38, 1-based): chr18:53,205,267, C>T. VCF-style: chr18-53205267-C-T. GRCh37 (hg19) VCF-style: chr18-50731637-C-T.
Other names: short protein forms T542I.
Identifiers: ClinVar variation 4891405 (VCV004891405.1).

ClinVar aggregate classification (germline): Uncertain significance (1 of 4 stars; one submission).

gnomAD v4.1: 27 of 1,613,464 alleles (0.0017%); highest among the groups gnomAD compares: Admixed American, 0.043%; no homozygotes.

Submission:

GeneDx
Classification: Uncertain significance. Last evaluated: 2026-02-26. Review status: criteria provided, single submitter. Criteria: GeneDx Variant Classification Process June 2021. Collection method: clinical testing. Allele origin: germline.
Comment: In silico analysis supports that this missense variant has a deleterious effect on protein structure/function; Has not been previously published as pathogenic or benign to our knowledge